The following is an entry in ClinVar:

ClinVar aggregate classification (germline): Conflicting classifications of pathogenicity. Review status: criteria provided, conflicting classifications (1 of 4 stars). 2 submissions from 2 submitters: Uncertain significance (1); Likely benign (1). Last evaluated 2025-08-18.

Conditions:
Inborn genetic diseases. Identifiers: MedGen C0950123, MeSH D030342.

Submissions (2):

Labcorp Genetics (formerly Invitae), Labcorp
Classification: Uncertain significance. Last evaluated: 2025-08-18. Review status: criteria provided, single submitter. Criteria: Invitae Variant Classification Sherloc (09022015). Collection method: clinical testing. Allele origin: germline.
Comment: This variant, c.240_254dup, results in the insertion of 5 amino acid(s) of the PDE4D protein (p.Leu81_Pro85dup), but otherwise preserves the integrity of the reading frame. The frequency data for this variant in the population databases is considered unreliable, as metrics indicate poor data quality at this position in the gnomAD database. This variant has not been reported in the literature in individuals affected with PDE4D-related conditions. ClinVar contains an entry for this variant (Variation ID: 1350637). Experimental studies and prediction algorithms are not available or were not evaluated, and the functional significance of this variant is currently unknown. In summary, the available evidence is currently insufficient to determine the role of this variant in disease. Therefore, it has been classified as a Variant of Uncertain Significance.

Ambry Genetics
Classification: Likely benign for Inborn genetic diseases. Last evaluated: 2021-05-26. Review status: criteria provided, single submitter. Criteria: Ambry Variant Classification Scheme 2023. Collection method: clinical testing. Allele origin: germline.

NM_001104631.2(PDE4D):c.240_254dup (p.Leu81_Pro85dup)

Gene: PDE4D (phosphodiesterase 4D; minus strand). Cytogenetic location: 5q12.1.
Variant type: Duplication.
Coding change: c.240_254dup on transcript NM_001104631.2 (MANE Select); coding-DNA positions 240 to 254, 15 bases duplicated (CCTGCCGCCGCCCCC).
Protein change: p.Leu81_Pro85dup.
Molecular consequence: inframe insertion. On other transcripts: intron variant (5).
Genome position (GRCh38, 1-based): chr5:59,893,369-59,893,383, GGGGGCGGCGGCAGG duplicated on the plus strand (CCTGCCGCCGCCCCC on the coding strand, the reverse complement: PDE4D is on the minus strand); duplicating any 15 consecutive bases within chr5:59,893,369-59,893,395 gives the same sequence; the c. name uses the placement nearest the transcript's 3' end. VCF-style (leftmost placement, unchanged base first): chr5-59893368-C-CGGGGGCGGCGGCAGG. GRCh37 (hg19) VCF-style: chr5-59189195-C-CGGGGGCGGCGGCAGG.
Other names: c.272+95105_272+95119dup (NM_001364599.1, NM_001165899.2, NM_001364600.2); c.-240+95105_-240+95119dup (NM_001349243.2); c.242+95105_242+95119dup (NM_001349241.2); c.240_254dupCCTGCCGCCGCCCCC (NM_001104631.1).
Identifiers: ClinVar variation 1350637 (VCV001350637.7), dbSNP rs755378627, ClinGen allele CA444673260.